The following is an entry in ClinVar:

NM_006947.4(SRP72):c.18C>G (p.Ser6Arg)

Genes: SRP72 (signal recognition particle 72; plus strand), LOC129992625 (ATAC-STARR-seq lymphoblastoid active region 21580; plus strand). Cytogenetic location: 4q12.
Variant type: single nucleotide variant.
Coding change: c.18C>G on transcript NM_006947.4 (MANE Select); coding-DNA position 18, C replaced by G.
Protein change: p.Ser6Arg; replaces serine 6 with arginine.
Molecular consequence: missense variant. On other transcripts: non-coding transcript variant (1).
Genome position (GRCh38, 1-based): chr4:56,467,653, C>G. VCF-style: chr4-56467653-C-G. GRCh37 (hg19) VCF-style: chr4-57333819-C-G.
Other names: c.18C>G, p.Ser6Arg (NM_001267722.2); short protein forms S6R.
Identifiers: ClinVar variation 3801461 (VCV003801461.2).

ClinVar aggregate classification (germline): Uncertain significance. Review status: criteria provided, multiple submitters, no conflicts (2 of 4 stars). 2 submissions from 2 submitters: Uncertain significance (2). Last evaluated 2025-01-23.

gnomAD v4.1: 10 of 1,550,758 alleles (0.00064%); highest among the groups gnomAD compares: Non-Finnish European, 0.00087%; no homozygotes.

Submissions (2):

Ambry Genetics
Classification: Uncertain significance. Last evaluated: 2025-01-23. Review status: criteria provided, single submitter. Criteria: Ambry Variant Classification Scheme 2023. Collection method: clinical testing. Allele origin: germline.
Comment: The p.S6R variant (also known as c.18C>G), located in coding exon 1 of the SRP72 gene, results from a C to G substitution at nucleotide position 18. The serine at codon 6 is replaced by arginine, an amino acid with dissimilar properties. This amino acid position is conserved. In addition, this alteration is predicted to be tolerated by in silico analysis. Based on the available evidence, the clinical significance of this variant remains unclear.

Blueprint Genetics
Classification: Uncertain significance. Last evaluated: 2024-11-08. Review status: criteria provided, single submitter. Criteria: ACMG Guidelines, 2015. Collection method: clinical testing. Allele origin: germline.